The following is an entry in ClinVar:

NM_181882.3(PRX):c.834G>A (p.Pro278=)

Gene: PRX (periaxin; minus strand). Cytogenetic location: 19q13.2.
Variant type: single nucleotide variant.
Coding change: c.834G>A on transcript NM_181882.3 (MANE Select); coding-DNA position 834, G replaced by A.
Protein change: p.Pro278=; no amino-acid change (proline 278 retained).
Molecular consequence: synonymous variant. On other transcripts: 3 prime UTR variant (1).
Genome position (GRCh38, 1-based): chr19:40,397,518, C>T on the plus strand (G>A on the coding strand, the complement: PRX is on the minus strand). VCF-style: chr19-40397518-C-T. GRCh37 (hg19) VCF-style: chr19-40903425-C-T.
Other names: c.*1039G>A (NM_020956.2).
Identifiers: ClinVar variation 1159410 (VCV001159410.32), dbSNP rs759984063, ClinGen allele CA9444375.

ClinVar aggregate classification (germline): Likely benign. Review status: criteria provided, multiple submitters, no conflicts (2 of 4 stars). 2 submissions from 2 submitters: Likely benign (2). Last evaluated 2025-11-03.

Conditions:
Charcot-Marie-Tooth disease type 4. Also called: Charcot-Marie-Tooth disease, type IV; Charcot-Marie-Tooth, Type 4. Identifiers: Orphanet 64749, MedGen C4082197, MONDO:0018995.

Allele frequency attached by ClinVar (database versions not stated): gnomAD 0.00001; TOPMed 0.00003; gnomAD exomes 0.00005; ExAC 0.00022.
gnomAD v4.1: 63 of 1,546,772 alleles (0.0041%); highest among the groups gnomAD compares: Non-Finnish European, 0.0049%; no homozygotes.

Submissions (2):

Labcorp Genetics (formerly Invitae), Labcorp
Classification: Likely benign for Charcot-Marie-Tooth disease type 4. Last evaluated: 2025-11-03. Review status: criteria provided, single submitter. Criteria: Invitae Variant Classification Sherloc (09022015). Collection method: clinical testing. Allele origin: germline.

CeGaT Center for Human Genetics Tuebingen
Classification: Likely benign. Last evaluated: 2023-03-01. Review status: criteria provided, single submitter. Criteria: CeGaT Center For Human Genetics Tuebingen Variant Classification Criteria Version 2. Collection method: clinical testing. Allele origin: germline. Affected: yes. Observed: 1 variant allele.
Comment: PRX: BP4, BP7